The following is an entry in ClinVar:

ClinVar aggregate classification (germline): Conflicting classifications of pathogenicity. Review status: criteria provided, conflicting classifications (1 of 4 stars). 11 submissions from 10 submitters: Uncertain significance (1); Benign (3); Likely benign (7). Last evaluated 2025-12-29.

Conditions:
Cardiovascular phenotype. Identifiers: MedGen CN230736.
Hypobetalipoproteinemia. Identifiers: Orphanet 31154, MedGen C0020597, MONDO:0017774.
Familial hypercholesterolemia. Also called: Familial hypercholesterolaemia; Familial hypercholesterolemias. Identifiers: MedGen C0020445, MONDO:0005439.
Hypercholesterolemia, autosomal dominant, 3 (FHCL3). Also called: PCSK9-Related Familial Hypercholesterolemia, Autosomal Dominant; Familial Hypercholesterolemia, Autosomal Dominant, 3; Familial hypercholesterolemia 3. Identifiers: MedGen C1863551, MONDO:0011369, OMIM 603776.

Allele frequency attached by ClinVar (database versions not stated): gnomAD 0.00001 and 0.00023; TOPMed 0.00005; gnomAD exomes 0.00016 and 0.00039; ExAC 0.00123; 1000 Genomes Project 0.00200; 1000 Genomes Project 30x 0.00203.
gnomAD v4.1: 278 of 1,561,596 alleles (0.018%); highest among the groups gnomAD compares: South Asian, 0.29%; 1 homozygote.

Submissions (11):

Labcorp Genetics (formerly Invitae), Labcorp
Classification: Benign for Hypercholesterolemia, autosomal dominant, 3. Last evaluated: 2025-12-29. Review status: criteria provided, single submitter. Criteria: Invitae Variant Classification Sherloc (09022015). Collection method: clinical testing. Allele origin: germline.

Mayo Clinic Laboratories, Mayo Clinic
Classification: Likely benign. Last evaluated: 2025-09-22. Review status: criteria provided, single submitter. Criteria: ACMG Guidelines, 2015. Collection method: clinical testing. Allele origin: germline. Observed: 1 variant allele.
Comment: BS1, BP4, BP7

Blueprint Genetics
Classification: Likely benign. Last evaluated: 2024-11-04. Review status: criteria provided, single submitter. Criteria: ACMG Guidelines, 2015. Collection method: clinical testing. Allele origin: germline.

All of Us Research Program, National Institutes of Health
Classification: Likely benign for Hypercholesterolemia, autosomal dominant, 3. Last evaluated: 2023-12-18. Review status: criteria provided, single submitter. Criteria: ACMG Guidelines, 2015. Collection method: clinical testing. Allele origin: germline. Inheritance: Autosomal dominant inheritance. Observed: 14 variant alleles, 14 heterozygotes.
Comment: This study involves interpretation of variants in research participants for the purpose of population health screening. Participant phenotype was not available at the time of variant classification. Additional details can be found in publication PMID: 35346344, PMCID: PMC8962531

GENinCode PLC
Classification: Likely benign for Familial hypercholesterolemia. Last evaluated: 2023-12-18. Review status: criteria provided, single submitter. Criteria: ACMG Guidelines, 2015. Collection method: clinical testing. Allele origin: germline.
Comment: This is a synonymous (silent) variant that is not predicted by SpliceAI to impact splicing. In addition, it occurs at a nucleotide that is not conserved and has a PopMax FAF which is greater than expected for this disorder. Therefore this variant has been classified as Likely Benign (BS1, BP4, BP7).

Quest Diagnostics Nichols Institute San Juan Capistrano
Classification: Benign. Last evaluated: 2023-04-11. Review status: criteria provided, single submitter. Criteria: Quest Diagnostics criteria. Collection method: clinical testing. Allele origin: unknown.

Women's Health and Genetics/Laboratory Corporation of America, LabCorp
Classification: Benign. Last evaluated: 2022-12-25. Review status: criteria provided, single submitter. Criteria: LabCorp Variant Classification Summary - May 2015. Collection method: clinical testing. Allele origin: germline.

Illumina Laboratory Services, Illumina
Classification: Likely benign for Hypobetalipoproteinemia. Last evaluated: 2018-01-12. Review status: criteria provided, single submitter. Criteria: ICSL Variant Classification Criteria 13 December 2019. Collection method: clinical testing. Allele origin: germline.
Comment: This variant was observed in the ICSL laboratory as part of a predisposition screen in an ostensibly healthy population. It had not been previously curated by ICSL or reported in the Human Gene Mutation Database (HGMD: prior to June 1st, 2018), and was therefore a candidate for classification through an automated scoring system. Utilizing variant allele frequency, disease prevalence and penetrance estimates, and inheritance mode, an automated score was calculated to assess if this variant is too frequent to cause the disease. Based on the score and internal cut-off values, a variant classified as likely benign is not then subjected to further curation. The score for this variant resulted in a classification of likely benign for this disease.

Illumina Laboratory Services, Illumina
Classification: Uncertain significance for Hypercholesterolemia, autosomal dominant, 3. Last evaluated: 2018-01-12. Review status: criteria provided, single submitter. Criteria: ICSL Variant Classification Criteria 13 December 2019. Collection method: clinical testing. Allele origin: germline.

Color Diagnostics, LLC DBA Color Health
Classification: Likely benign for Familial hypercholesterolemias. Last evaluated: 2017-11-23. Review status: criteria provided, single submitter. Criteria: ACMG Guidelines, 2015. Collection method: clinical testing. Allele origin: germline.

Ambry Genetics
Classification: Likely benign for Cardiovascular phenotype. Last evaluated: 2015-11-11. Review status: criteria provided, single submitter. Criteria: Ambry Variant Classification Scheme 2023. Collection method: clinical testing. Allele origin: germline.

Literature cited by the submitters: PubMed 32041611 (cited by Mayo Clinic Laboratories, Mayo Clinic).

NM_174936.4(PCSK9):c.1560C>T (p.Val520=)

Gene: PCSK9 (proprotein convertase subtilisin/kexin type 9; plus strand). Cytogenetic location: 1p32.3.
Variant type: single nucleotide variant.
Coding change: c.1560C>T on transcript NM_174936.4 (MANE Select); coding-DNA position 1560, C replaced by T.
Protein change: p.Val520=; no amino-acid change (valine 520 retained).
Molecular consequence: synonymous variant. On other transcripts: non-coding transcript variant (7), intron variant (1).
Genome position (GRCh38, 1-based): chr1:55,059,542, C>T. VCF-style: chr1-55059542-C-T. GRCh37 (hg19) VCF-style: chr1-55525215-C-T.
Other names: p.Val520=; c.1683C>T, p.Val561= (NM_001407240.1); c.1602C>T, p.Val534= (NM_001407241.1); c.1563C>T, p.Val521= (NM_001407242.1); c.1503C>T, p.Val501= (NM_001407243.1); c.1386C>T, p.Val462= (NM_001407244.1); c.1368C>T, p.Val456= (NM_001407245.1); c.1185C>T, p.Val395= (NM_001407246.1); and 1 more.
Identifiers: ClinVar variation 630491 (VCV000630491.25), dbSNP rs542863545, ClinGen allele CA038006.
Genomic context (GRCh38, chr1:55,059,542, plus strand): 5'-TAAGGCCCAAGGGGGCAAGCTGGTCTGCCGGGCCCACAACGCTTTTGGGGGTGAGGGTGT[C>T]TACGCCATTGCCAGGTGCTGCCTGCTACCCCAGGCCAACTGCAGCGTCCACACAGCTCCA-3'
Protein context (NP_777596.2, residues 510-530): RAHNAFGGEG[Val520=]YAIARCCLLP